The following is an entry in ClinVar:

NM_020999.4(NEUROG3):c.213T>G (p.Pro71=)

Gene: NEUROG3 (neurogenin 3; minus strand). Cytogenetic location: 10q22.1.
Variant type: single nucleotide variant.
Coding change: c.213T>G on transcript NM_020999.4 (MANE Select); coding-DNA position 213, T replaced by G.
Protein change: p.Pro71=; no amino-acid change (proline 71 retained).
Molecular consequence: synonymous variant.
Genome position (GRCh38, 1-based): chr10:69,572,831, A>C on the plus strand (T>G on the coding strand, the complement: NEUROG3 is on the minus strand). VCF-style: chr10-69572831-A-C. GRCh37 (hg19) VCF-style: chr10-71332587-A-C.
Identifiers: ClinVar variation 3032126 (VCV003032126.3), dbSNP rs780092827, ClinGen allele CA5533742.
Genomic context (GRCh38, chr10:69,572,831, plus strand): 5'-GCGGTCGTTGGCCTTCTTTCGCCGACTCCGTCGCTGCTTGCTCAGTGCCAACTCGCTCTT[A>C]GGCCGGCTGCGTCCCCCGCGCCGTGCCCGGAGCTTCCTCGGGGCCCCTCGGCAGCCTCCC-3'
Protein context (NP_066279.2, residues 61-81): LRARRGGRSR[Pro71=]KSELALSKQR

ClinVar aggregate classification (germline): Likely benign. Review status: criteria provided, single submitter (1 of 4 stars). 2 submissions from 2 submitters: Likely benign (1). 1 of the submissions does not count toward it. Last evaluated 2025-07-15.

Conditions:
NEUROG3-related disorder. Also called: NEUROG3-related condition.

Allele frequency attached by ClinVar (database versions not stated): gnomAD exomes below 0.00001; TOPMed below 0.00001; ExAC 0.00001.
gnomAD v4.1: 2 of 1,611,472 alleles (0.00012%); highest among the groups gnomAD compares: Non-Finnish European, 0.00017%; no homozygotes.

Submissions (2):

Labcorp Genetics (formerly Invitae), Labcorp
Classification: Likely benign. Last evaluated: 2025-07-15. Review status: criteria provided, single submitter. Criteria: Invitae Variant Classification Sherloc (09022015). Collection method: clinical testing. Allele origin: germline.

PreventionGenetics, part of Exact Sciences
Classification: Likely benign for NEUROG3-related condition. Last evaluated: 2023-09-08. Review status: no assertion criteria provided. Collection method: clinical testing. Allele origin: germline. Not counted in ClinVar's aggregate classification.
Comment: This variant is classified as likely benign based on ACMG/AMP sequence variant interpretation guidelines (Richards et al. 2015 PMID: 25741868, with internal and published modifications).